The following is an entry in ClinVar:

NM_001267550.2(TTN):c.64718A>G (p.Asp21573Gly)

Genes: TTN (titin; minus strand), TTN-AS1 (TTN antisense RNA 1; plus strand). Cytogenetic location: 2q31.2.
Variant type: single nucleotide variant.
Coding change: c.64718A>G on transcript NM_001267550.2 (MANE Select); coding-DNA position 64718, A replaced by G.
Protein change: p.Asp21573Gly; replaces aspartic acid 21573 with glycine.
Molecular consequence: missense variant. On other transcripts: non-coding transcript variant (1).
Genome position (GRCh38, 1-based): chr2:178,584,923, T>C on the plus strand (A>G on the coding strand, the complement: TTN is on the minus strand). VCF-style: chr2-178584923-T-C. GRCh37 (hg19) VCF-style: chr2-179449650-T-C.
Other names: c.37898A>G, p.Asp12633Gly (NM_133432.3); c.38099A>G, p.Asp12700Gly (NM_133437.4); c.37523A>G, p.Asp12508Gly (NM_003319.4); c.57014A>G, p.Asp19005Gly (NM_133378.4); c.59795A>G, p.Asp19932Gly (NM_001256850.1); short protein forms D12508G, D12633G, D12700G, D19005G, D19932G, D21573G.
Identifiers: ClinVar variation 4536852 (VCV004536852.1).

ClinVar aggregate classification (germline): Uncertain significance (1 of 4 stars; one submission).

Submission:

Women's Health and Genetics/Laboratory Corporation of America, LabCorp
Classification: Uncertain significance. Last evaluated: 2025-11-11. Review status: criteria provided, single submitter. Criteria: LabCorp Variant Classification Summary - May 2015. Collection method: clinical testing. Allele origin: germline.
Comment: Variant summary: TTN NM_133378 c.57014A>G (p.Asp19005Gly), also known as NM_001267550 c.64718A>G (p.Asp21573Gly), results in a non-conservative amino acid change in the encoded protein sequence. Algorithms developed to predict the effect of missense changes on protein structure and function are either unavailable or do not agree on the potential impact of this missense change. The variant was absent in 247654 control chromosomes. The available data on variant occurrences in the general population are insufficient to allow any conclusion about variant significance. To our knowledge, no occurrence of c.57014A>G in individuals affected with TTN-related conditions and no experimental evidence demonstrating its impact on protein function have been reported. No submitters have cited clinical-significance assessments for this variant to ClinVar. Based on the evidence outlined above, the variant was classified as uncertain significance.